The following is an entry in ClinVar:

ClinVar aggregate classification (germline): Uncertain significance. Review status: criteria provided, multiple submitters, no conflicts (2 of 4 stars). 2 submissions from 2 submitters: Uncertain significance (2). Last evaluated 2025-08-06.

Conditions:
Inborn genetic diseases. Identifiers: MedGen C0950123, MeSH D030342.

Allele frequency attached by ClinVar (database versions not stated): ExAC 0.00003; gnomAD 0.00003 and 0.00004; gnomAD exomes 0.00003 and 0.00006; TOPMed 0.00005; ESP Exome Variant Server 0.00008.
gnomAD v4.1: 91 of 1,613,766 alleles (0.0056%); highest among the groups gnomAD compares: Non-Finnish European, 0.007%; no homozygotes.

Submissions (2):

Labcorp Genetics (formerly Invitae), Labcorp
Classification: Uncertain significance. Last evaluated: 2025-08-06. Review status: criteria provided, single submitter. Criteria: Invitae Variant Classification Sherloc (09022015). Collection method: clinical testing. Allele origin: germline.
Comment: This sequence change replaces arginine, which is basic and polar, with histidine, which is basic and polar, at codon 927 of the CLTC protein (p.Arg927His). This variant is present in population databases (rs374166486, gnomAD 0.03%). This variant has not been reported in the literature in individuals affected with CLTC-related conditions. ClinVar contains an entry for this variant (Variation ID: 1410277). Invitae Evidence Modeling of protein sequence and biophysical properties (such as structural, functional, and spatial information, amino acid conservation, physicochemical variation, residue mobility, and thermodynamic stability) indicates that this missense variant is not expected to disrupt CLTC protein function with a negative predictive value of 80%. In summary, the available evidence is currently insufficient to determine the role of this variant in disease. Therefore, it has been classified as a Variant of Uncertain Significance.

Ambry Genetics
Classification: Uncertain significance for Inborn genetic diseases. Last evaluated: 2024-03-11. Review status: criteria provided, single submitter. Criteria: Ambry Variant Classification Scheme 2023. Collection method: clinical testing. Allele origin: germline.

NM_004859.4(CLTC):c.2768G>A (p.Arg923His)

Gene: CLTC (clathrin heavy chain; plus strand). Cytogenetic location: 17q23.1.
Variant type: single nucleotide variant.
Coding change: c.2768G>A on transcript NM_004859.4 (MANE Select); coding-DNA position 2768, G replaced by A.
Protein change: p.Arg923His; replaces arginine 923 with histidine.
Molecular consequence: missense variant.
Genome position (GRCh38, 1-based): chr17:59,677,160, G>A. VCF-style: chr17-59677160-G-A. GRCh37 (hg19) VCF-style: chr17-57754521-G-A.
Other names: c.2780G>A, p.Arg927His (NM_001288653.2); c.2768G>A (NM_004859.3); short protein forms R923H, R927H.
Identifiers: ClinVar variation 1410277 (VCV001410277.7), dbSNP rs374166486, ClinGen allele CA8681453.